The following is an entry in ClinVar:

ClinVar aggregate classification (germline): Uncertain significance. Review status: criteria provided, multiple submitters, no conflicts (2 of 4 stars). 2 submissions from 2 submitters: Uncertain significance (2). Last evaluated 2025-03-19.

Conditions:
Cardiovascular phenotype. Identifiers: MedGen CN230736.
Arrhythmogenic right ventricular dysplasia 8 (ARVD8). Also called: ARRHYTHMOGENIC RIGHT VENTRICULAR DYSPLASIA, FAMILIAL, 8; ARRHYTHMOGENIC RIGHT VENTRICULAR CARDIOMYOPATHY 8; Arrhythmogenic Right Ventricular Dysplasia/Cardiomyopathy 8. Identifiers: MedGen C1843896, MONDO:0011831, OMIM 607450.
Arrhythmogenic cardiomyopathy with wooly hair and keratoderma. Also called: PALMOPLANTAR KERATODERMA WITH LEFT VENTRICULAR CARDIOMYOPATHY AND WOOLLY HAIR; Carvajal syndrome; Dilated cardiomyopathy with woolly hair and keratoderma; Arrhythmogenic cardiomyopathy with woolly hair and keratoderma. Identifiers: Orphanet 65282, MedGen C1854063, MONDO:0011581, OMIM 605676.

Allele frequency attached by ClinVar (database versions not stated): gnomAD exomes below 0.00001.
gnomAD v4.1: 2 of 1,614,114 alleles (0.00012%); highest among the groups gnomAD compares: Non-Finnish European, 0.000085%; no homozygotes.

Submissions (2):

Labcorp Genetics (formerly Invitae), Labcorp
Classification: Uncertain significance for Arrhythmogenic cardiomyopathy with wooly hair and keratoderma; Arrhythmogenic right ventricular dysplasia 8. Last evaluated: 2025-03-19. Review status: criteria provided, single submitter. Criteria: Invitae Variant Classification Sherloc (09022015). Collection method: clinical testing. Allele origin: germline.
Comment: This sequence change replaces glutamine, which is neutral and polar, with lysine, which is basic and polar, at codon 1066 of the DSP protein (p.Gln1066Lys). This variant is present in population databases (no rsID available, gnomAD 0.004%). This variant has not been reported in the literature in individuals affected with DSP-related conditions. ClinVar contains an entry for this variant (Variation ID: 3224222). An algorithm developed to predict the effect of missense changes on protein structure and function (PolyPhen-2) suggests that this variant is likely to be disruptive. In summary, the available evidence is currently insufficient to determine the role of this variant in disease. Therefore, it has been classified as a Variant of Uncertain Significance.

Ambry Genetics
Classification: Uncertain significance for Cardiovascular phenotype. Last evaluated: 2023-09-30. Review status: criteria provided, single submitter. Criteria: Ambry Variant Classification Scheme 2023. Collection method: clinical testing. Allele origin: germline.
Comment: The p.Q1066K variant (also known as c.3196C>A), located in coding exon 23 of the DSP gene, results from a C to A substitution at nucleotide position 3196. The glutamine at codon 1066 is replaced by lysine, an amino acid with similar properties. This amino acid position is conserved. In addition, the in silico prediction for this alteration is inconclusive. Since supporting evidence is limited at this time, the clinical significance of this alteration remains unclear.

NM_004415.4(DSP):c.3196C>A (p.Gln1066Lys)

Gene: DSP (desmoplakin; plus strand). Cytogenetic location: 6p24.3.
Variant type: single nucleotide variant.
Coding change: c.3196C>A on transcript NM_004415.4 (MANE Select); coding-DNA position 3196, C replaced by A.
Protein change: p.Gln1066Lys; replaces glutamine 1066 with lysine.
Molecular consequence: missense variant.
Genome position (GRCh38, 1-based): chr6:7,579,386, C>A. VCF-style: chr6-7579386-C-A. GRCh37 (hg19) VCF-style: chr6-7579619-C-A.
Other names: c.3196C>A, p.Gln1066Lys (NM_001008844.3, NM_001319034.2); short protein forms Q1066K.
Identifiers: ClinVar variation 3224222 (VCV003224222.2), dbSNP rs1256651534, ClinGen allele CA362683270.